The following is an entry in ClinVar:

NM_001098484.3(SLC4A4):c.1683C>T (p.Ser561=)

Genes: SLC4A4 (solute carrier family 4 member 4; plus strand), LOC126807073 (MED14-independent group 3 enhancer GRCh37_chr4:72338203-72339402; plus strand). Cytogenetic location: 4q13.3.
Variant type: single nucleotide variant.
Coding change: c.1683C>T on transcript NM_001098484.3 (MANE Select); coding-DNA position 1683, C replaced by T.
Protein change: p.Ser561=; no amino-acid change (serine 561 retained).
Molecular consequence: synonymous variant.
Genome position (GRCh38, 1-based): chr4:71,472,750, C>T. VCF-style: chr4-71472750-C-T. GRCh37 (hg19) VCF-style: chr4-72338467-C-T.
Other names: c.1683C>T, p.Ser561= (NM_001134742.2); c.1551C>T, p.Ser517= (NM_003759.4).
Identifiers: ClinVar variation 349546 (VCV000349546.14), dbSNP rs35169468, ClinGen allele CA2954871.

ClinVar aggregate classification (germline): Benign. Review status: criteria provided, multiple submitters, no conflicts (2 of 4 stars). 3 submissions from 3 submitters: Benign (3). Last evaluated 2026-01-27.

Conditions:
Autosomal recessive proximal renal tubular acidosis (PRTAO). Also called: RTA, PROXIMAL, AUTOSOMAL RECESSIVE; RENAL TUBULAR ACIDOSIS, PROXIMAL, WITH OCULAR ABNORMALITIES AND MENTAL RETARDATION; RENAL TUBULAR ACIDOSIS, PROXIMAL, WITH OCULAR ABNORMALITIES AND IMPAIRED INTELLECTUAL DEVELOPMENT; PROXIMAL RENAL TUBULAR ACIDOSIS-OCULAR ANOMALY SYNDROME. Identifiers: Orphanet 93607, MedGen C1970309, MONDO:0011422, OMIM 604278.

Allele frequency attached by ClinVar (database versions not stated): gnomAD exomes 0.00420; ExAC 0.00529; gnomAD 0.01208 and 0.01254; ESP Exome Variant Server 0.01253; TOPMed 0.01326; 1000 Genomes Project 0.01617; 1000 Genomes Project 30x 0.01718.
gnomAD v4.1: 4,630 of 1,612,782 alleles (0.29%); highest among the groups gnomAD compares: African/African-American, 4.2%; 76 homozygotes.

Submissions (3):

Labcorp Genetics (formerly Invitae), Labcorp
Classification: Benign. Last evaluated: 2026-01-27. Review status: criteria provided, single submitter. Criteria: Invitae Variant Classification Sherloc (09022015). Collection method: clinical testing. Allele origin: germline.

Illumina Laboratory Services, Illumina
Classification: Benign for Autosomal recessive proximal renal tubular acidosis. Last evaluated: 2018-01-12. Review status: criteria provided, single submitter. Criteria: ICSL Variant Classification Criteria 13 December 2019. Collection method: clinical testing. Allele origin: germline.
Comment: This variant was observed in the ICSL laboratory as part of a predisposition screen in an ostensibly healthy population. It had not been previously curated by ICSL or reported in the Human Gene Mutation Database (HGMD: prior to June 1st, 2018), and was therefore a candidate for classification through an automated scoring system. Utilizing variant allele frequency, disease prevalence and penetrance estimates, and inheritance mode, an automated score was calculated to assess if this variant is too frequent to cause the disease. Based on the score and internal cut-off values, a variant classified as benign is not then subjected to further curation. The score for this variant resulted in a classification of benign for this disease.

Breakthrough Genomics
Classification: Benign. Review status: criteria provided, single submitter. Criteria: ACMG Guidelines, 2015. Collection method: not provided. Allele origin: germline. Inheritance: Autosomal recessive inheritance. Affected: yes.